The following is an entry in ClinVar:

ClinVar aggregate classification (germline): Uncertain significance (0 of 4 stars; one submission).

Conditions:
RPGRIP1L-related disorder. Also called: RPGRIP1L-related condition; RPGRIP1L-related disorders. Identifiers: MedGen CN239416.

gnomAD v4.1: 4 of 1,614,088 alleles (0.00025%); highest among the groups gnomAD compares: Admixed American, 0.0067%; no homozygotes.

Submission:

PreventionGenetics, part of Exact Sciences
Classification: Uncertain significance for RPGRIP1L-related condition. Last evaluated: 2024-06-04. Review status: no assertion criteria provided. Collection method: clinical testing. Allele origin: germline.
Comment: The RPGRIP1L c.1643T>A variant is predicted to result in the amino acid substitution p.Val548Glu. To our knowledge, this variant has not been reported in the literature. This variant is reported in 0.0087% of alleles in individuals of Latino descent in gnomAD. At this time, the clinical significance of this variant is uncertain due to the absence of conclusive functional and genetic evidence.

NM_015272.5(RPGRIP1L):c.1643T>A (p.Val548Glu)

Gene: RPGRIP1L (RPGRIP1 like; minus strand). Cytogenetic location: 16q12.2.
Variant type: single nucleotide variant.
Coding change: c.1643T>A on transcript NM_015272.5 (MANE Select); coding-DNA position 1643, T replaced by A.
Protein change: p.Val548Glu; replaces valine 548 with glutamic acid.
Molecular consequence: missense variant.
Genome position (GRCh38, 1-based): chr16:53,656,528, A>T on the plus strand (T>A on the coding strand, the complement: RPGRIP1L is on the minus strand). VCF-style: chr16-53656528-A-T. GRCh37 (hg19) VCF-style: chr16-53690440-A-T.
Other names: c.1643T>A, p.Val548Glu (NM_001127897.4, NM_001308334.3, NM_001330538.2); short protein forms V548E.
Identifiers: ClinVar variation 3358090 (VCV003358090.1).